The following is an entry in ClinVar:

NM_000350.3(ABCA4):c.4540-65_4561delinsCGCTGTGTTCTCTGAGGCAATGAGACACCCACGTTAATTACCTTGGAACTTGAGGACTTATAAGTAGT

Gene: ABCA4 (ATP binding cassette subfamily A member 4; minus strand). Cytogenetic location: 1p22.1.
Variant type: Indel.
Coding change: c.4540-65_4561delinsCGCTGTGTTCTCTGAGGCAATGAGACACCCACGTTAATTACCTTGGAACTTGAGGACTTATAAGTAGT on transcript NM_000350.3 (MANE Select); 65 bases into the intron before coding-DNA position 4540 through coding-DNA position 4561, the reference bases replaced by an inserted sequence.
Molecular consequence: splice acceptor variant.
Genome position (GRCh38, 1-based): chr1:94,025,027-94,025,113, 87 bases replaced. GRCh37 (hg19): chr1:94,490,583-94,490,669.
Identifiers: ClinVar variation 1519387 (VCV001519387.6), dbSNP rs2101027768, ClinGen allele CA2573132699.

ClinVar aggregate classification (germline): Likely pathogenic (1 of 4 stars; one submission).

Submission:

Labcorp Genetics (formerly Invitae), Labcorp
Classification: Likely pathogenic. Last evaluated: 2021-11-15. Review status: criteria provided, single submitter. Criteria: Invitae Variant Classification Sherloc (09022015). Collection method: clinical testing. Allele origin: germline.
Comment: In summary, the currently available evidence indicates that the variant is pathogenic, but additional data are needed to prove that conclusively. Therefore, this variant has been classified as Likely Pathogenic. Algorithms developed to predict the effect of sequence changes on RNA splicing suggest that this variant may disrupt the consensus splice site. This variant has not been reported in the literature in individuals affected with ABCA4-related conditions. This variant is not present in population databases (gnomAD no frequency). This variant results in the deletion of part of exon 31 (c.4540-65_4561delins68) of the ABCA4 gene. It is expected to disrupt RNA splicing. Variants that disrupt the donor or acceptor splice site typically lead to a loss of protein function (PMID: 16199547), and loss-of-function variants in ABCA4 are known to be pathogenic (PMID: 10958761, 24938718, 25312043, 26780318).

Literature cited by the submitters: PubMed 16199547; PubMed 10958761; PubMed 24938718; PubMed 25312043; PubMed 26780318.